The following is an entry in ClinVar:

ClinVar aggregate classification (germline): Likely benign. Review status: criteria provided, multiple submitters, no conflicts (2 of 4 stars). 2 submissions from 2 submitters: Likely benign (2). Last evaluated 2018-06-16.

Allele frequency attached by ClinVar (database versions not stated): 1000 Genomes Project 0.01857; 1000 Genomes Project 30x 0.01921; TOPMed 0.02636; ESP Exome Variant Server 0.02776; gnomAD 0.02790 and 0.02841; ExAC 0.02881.
gnomAD v4.1: 44,949 of 1,561,570 alleles (2.9%); highest among the groups gnomAD compares: Middle Eastern, 4.7%; 790 homozygotes.

Submissions (2):

GeneDx
Classification: Likely benign. Last evaluated: 2018-06-16. Review status: criteria provided, single submitter. Criteria: GeneDx Variant Classification (06012015). Collection method: clinical testing. Allele origin: germline. Affected: yes.
Comment: This variant is considered likely benign or benign based on one or more of the following criteria: it is a conservative change, it occurs at a poorly conserved position in the protein, it is predicted to be benign by multiple in silico algorithms, and/or has population frequency not consistent with disease.

Breakthrough Genomics
Classification: Likely benign. Review status: criteria provided, single submitter. Criteria: ACMG Guidelines, 2015. Collection method: not provided. Allele origin: germline. Inheritance: Autosomal recessive inheritance. Affected: yes.

NM_182961.4(SYNE1):c.3504+23C>T

Gene: SYNE1 (spectrin repeat containing nuclear envelope protein 1; minus strand). Cytogenetic location: 6q25.2.
Variant type: single nucleotide variant.
Coding change: c.3504+23C>T on transcript NM_182961.4 (MANE Select); 23 bases into the intron after coding-DNA position 3504, C replaced by T.
Molecular consequence: intron variant.
Genome position (GRCh38, 1-based): chr6:152,449,510, G>A on the plus strand (C>T on the coding strand, the complement: SYNE1 is on the minus strand). VCF-style: chr6-152449510-G-A. GRCh37 (hg19) VCF-style: chr6-152770645-G-A.
Other names: c.3525+23C>T (NM_033071.5).
Identifiers: ClinVar variation 674766 (VCV000674766.2), dbSNP rs17366321, ClinGen allele CA4058825.